The following is an entry in ClinVar:

ClinVar aggregate classification (germline): Uncertain significance (1 of 4 stars; one submission).

Submission:

Dasa
Classification: Uncertain significance. Last evaluated: 2025-01-28. Review status: criteria provided, single submitter. Criteria: DASA Assertion Criteria. Collection method: clinical testing. Allele origin: germline.
Comment: NM_006494.4(ERF):c.232T>G (p.Tyr78Asp) is a missense variant that results in the substitution of tyrosine with aspartic acid. The affected residue or protein region has prior evidence supporting clinical relevance. This variant is absent from population databases. Computational prediction algorithms are consistent with a deleterious effect. The currently available literature and clinical evidence are not sufficient to establish a definitive association between this variant and the reported condition. Therefore, this variant is classified as a variant of uncertain significance.

NM_006494.4(ERF):c.232T>G (p.Tyr78Asp)

Gene: ERF (ETS2 repressor factor; minus strand). Cytogenetic location: 19q13.2.
Variant type: single nucleotide variant.
Coding change: c.232T>G on transcript NM_006494.4 (MANE Select); coding-DNA position 232, T replaced by G.
Protein change: p.Tyr78Asp; replaces tyrosine 78 with aspartic acid.
Molecular consequence: missense variant. On other transcripts: intron variant (1).
Genome position (GRCh38, 1-based): chr19:42,250,356, A>C on the plus strand (T>G on the coding strand, the complement: ERF is on the minus strand). VCF-style: chr19-42250356-A-C. GRCh37 (hg19) VCF-style: chr19-42754508-A-C.
Other names: c.7T>G, p.Tyr3Asp (NM_001301035.2, NM_001308402.2, NM_001312656.2 and 1 more transcripts); c.-550-414T>G (NM_001440421.1); short protein forms Y3D, Y78D.
Identifiers: ClinVar variation 4883680 (VCV004883680.2).